The following is an entry in ClinVar:

ClinVar aggregate classification (germline): Conflicting classifications of pathogenicity. Review status: criteria provided, conflicting classifications (1 of 4 stars). 11 submissions from 8 submitters: Uncertain significance (5); Likely benign (6). Last evaluated 2026-07-01.

Conditions:
MYH7-related disorder. Also called: MYH7-related disorders; MYH7-related condition; MYH7-related disease.
Myosin storage myopathy (CMYO7A). Also called: MYH7-related late-onset scapuloperoneal muscular dystrophy; Congenital myopathy 7A, myosin storage, autosomal dominant; Scapuloperoneal myopathy, MYH7-related; MYOPATHY WITH LYSIS OF TYPE I MYOFIBRILS; SCAPULOPERONEAL MUSCULAR DYSTROPHY; SCAPULOPERONEAL SYNDROME, MYOPATHIC TYPE. Identifiers: Orphanet 437572, Orphanet 636965, MedGen C1842160, MONDO:0008409, OMIM 608358.
Cardiomyopathy (CMYO). Also called: Cardiomyopathies. Identifiers: Orphanet 167848, MedGen C0878544, MONDO:0004994, HP:0001638. Inheritance: Various modes of inheritance.
Hypertrophic cardiomyopathy 1 (CMH1). Also called: Familial hypertrophic cardiomyopathy 1; MYH7-Related Familial Hypertrophic Cardiomyopathy. Identifiers: MedGen C3495498, MONDO:0008647, OMIM 192600.
MYH7-related skeletal myopathy. Also called: Myopathy, distal, 1; MYOPATHY, DISTAL, EARLY-ONSET, AUTOSOMAL DOMINANT; MYOPATHY, LATE DISTAL HEREDITARY; Laing distal myopathy; Laing early-onset distal myopathy. Identifiers: Orphanet 59135, MedGen C4552004, MONDO:0008050, OMIM 160500.
Dilated cardiomyopathy 1S (CMD1S). Identifiers: Orphanet 154, Orphanet 54260, MedGen C1834481, MONDO:0013262, OMIM 613426.
Hypertrophic cardiomyopathy. Also called: HYPERTROPHIC MYOCARDIOPATHY. Identifiers: Orphanet 217569, MedGen C0007194, MeSH D002312, MONDO:0005045, HP:0001639.

Allele frequency attached by ClinVar (database versions not stated): gnomAD 0.00006; 1000 Genomes Project 30x 0.00031; ExAC 0.00003; TOPMed 0.00007; ESP Exome Variant Server 0.00015; 1000 Genomes Project 0.00020.
gnomAD v4.1: 261 of 1,613,934 alleles (0.016%); highest among the groups gnomAD compares: Non-Finnish European, 0.021%; no homozygotes.

Submissions (11):

CeGaT Center for Human Genetics Tuebingen
Classification: Likely benign. Last evaluated: 2026-07-01. Review status: criteria provided, single submitter. Criteria: CeGaT Center For Human Genetics Tuebingen Variant Classification Criteria Version 2. Collection method: clinical testing. Allele origin: germline. Affected: yes. Observed: 1 variant allele.
Comment: MYH7: BP4

PreventionGenetics, part of Exact Sciences
Classification: Likely benign for MYH7-related condition. Last evaluated: 2026-03-10. Review status: criteria provided, single submitter. Criteria: ACMG Guidelines, 2015. Collection method: clinical testing. Allele origin: germline.
Comment: This variant is classified as likely benign based on ACMG/AMP sequence variant interpretation guidelines (Richards et al. 2015 PMID: 25741868, with internal and published modifications).

Labcorp Genetics (formerly Invitae), Labcorp
Classification: Likely benign for Hypertrophic cardiomyopathy. Last evaluated: 2025-12-23. Review status: criteria provided, single submitter. Criteria: Invitae Variant Classification Sherloc (09022015). Collection method: clinical testing. Allele origin: germline.

Blueprint Genetics
Classification: Likely benign. Last evaluated: 2024-03-06. Review status: criteria provided, single submitter. Criteria: ACMG Guidelines, 2015. Collection method: clinical testing. Allele origin: germline.

CHEO Genetics Diagnostic Laboratory, Children's Hospital of Eastern Ontario
Classification: Uncertain significance for Cardiomyopathy. Last evaluated: 2023-03-03. Review status: criteria provided, single submitter. Criteria: ACMG Guidelines, 2015. Collection method: clinical testing. Allele origin: germline.

Illumina Laboratory Services, Illumina
Classification: Uncertain significance for Dilated cardiomyopathy 1S. Last evaluated: 2018-01-13. Review status: criteria provided, single submitter. Criteria: ICSL Variant Classification Criteria 13 December 2019. Collection method: clinical testing. Allele origin: germline.

Illumina Laboratory Services, Illumina
Classification: Uncertain significance for Hypertrophic cardiomyopathy 1. Last evaluated: 2018-01-13. Review status: criteria provided, single submitter. Criteria: ICSL Variant Classification Criteria 13 December 2019. Collection method: clinical testing. Allele origin: germline.

Illumina Laboratory Services, Illumina
Classification: Uncertain significance for MYH7-related skeletal myopathy. Last evaluated: 2018-01-13. Review status: criteria provided, single submitter. Criteria: ICSL Variant Classification Criteria 13 December 2019. Collection method: clinical testing. Allele origin: germline.

Illumina Laboratory Services, Illumina
Classification: Uncertain significance for Myosin storage myopathy. Last evaluated: 2018-01-13. Review status: criteria provided, single submitter. Criteria: ICSL Variant Classification Criteria 13 December 2019. Collection method: clinical testing. Allele origin: germline.

GeneDx
Classification: Likely benign. Last evaluated: 2016-11-04. Review status: criteria provided, single submitter. Criteria: GeneDx Variant Classification (06012015). Collection method: clinical testing. Allele origin: germline. Affected: yes.
Comment: This variant is considered likely benign or benign based on one or more of the following criteria: it is a conservative change, it occurs at a poorly conserved position in the protein, it is predicted to be benign by multiple in silico algorithms, and/or has population frequency not consistent with disease.

Laboratory for Molecular Medicine, Mass General Brigham Personalized Medicine
Classification: Likely benign. Last evaluated: 2012-06-22. Review status: criteria provided, single submitter. Criteria: LMM Criteria. Collection method: clinical testing. Allele origin: germline. Observed: 4 variant alleles.
Comment: 1888+8G>T in intron 16 of MYH7: This variant is not expected to have clinical si gnificance because it is not located in the conserved splice consensus sequence. It has been identified in 2/8600 European American chromosomes from a broad pop ulation by the NHLBI Exome Sequencing Project. 1888+8G>T in intron 16 of MYH7 (allele frequency=2/8600) **

NM_000257.4(MYH7):c.1888+8G>T

Gene: MYH7 (myosin heavy chain 7; minus strand). Cytogenetic location: 14q11.2.
Variant type: single nucleotide variant.
Coding change: c.1888+8G>T on transcript NM_000257.4 (MANE Select); 8 bases into the intron after coding-DNA position 1888, G replaced by T.
Molecular consequence: intron variant.
Genome position (GRCh38, 1-based): chr14:23,427,577, C>A on the plus strand (G>T on the coding strand, the complement: MYH7 is on the minus strand). VCF-style: chr14-23427577-C-A. GRCh37 (hg19) VCF-style: chr14-23896786-C-A.
Identifiers: ClinVar variation 42868 (VCV000042868.26), dbSNP rs200668471, ClinGen allele CA011405.